The following is an entry in ClinVar:

ClinVar aggregate classification (germline): Uncertain significance (1 of 4 stars; one submission).

Conditions:
Inborn genetic diseases. Identifiers: MedGen C0950123, MeSH D030342.

Submission:

Ambry Genetics
Classification: Uncertain significance for Inborn genetic diseases. Last evaluated: 2026-02-23. Review status: criteria provided, single submitter. Criteria: Ambry Variant Classification Scheme 2023. Collection method: clinical testing. Allele origin: germline.
Comment: The p.G75R variant (also known as c.223G>C), located in coding exon 2 of the MBD4 gene, results from a G to C substitution at nucleotide position 223. The glycine at codon 75 is replaced by arginine, an amino acid with dissimilar properties. This amino acid position is conserved. In addition, the in silico prediction for this alteration is inconclusive. Based on the available evidence, the clinical significance of this variant remains unclear.

NM_001276270.2(MBD4):c.223G>C (p.Gly75Arg)

Gene: MBD4 (methyl-CpG binding domain 4, DNA glycosylase; minus strand). Cytogenetic location: 3q21.3.
Variant type: single nucleotide variant.
Coding change: c.223G>C on transcript NM_001276270.2 (MANE Select); coding-DNA position 223, G replaced by C.
Protein change: p.Gly75Arg; replaces glycine 75 with arginine.
Molecular consequence: missense variant.
Genome position (GRCh38, 1-based): chr3:129,437,832, C>G on the plus strand (G>C on the coding strand, the complement: MBD4 is on the minus strand). VCF-style: chr3-129437832-C-G. GRCh37 (hg19) VCF-style: chr3-129156675-C-G.
Other names: c.223G>C, p.Gly75Arg (NM_001276271.2, NM_001276272.2, NM_001276273.2 and 1 more transcripts); short protein forms G75R.
Identifiers: ClinVar variation 4827721 (VCV004827721.1).